The following is an entry in ClinVar:

NM_005996.4(TBX3):c.1843C>G (p.Arg615Gly)

Gene: TBX3 (T-box transcription factor 3; minus strand). Cytogenetic location: 12q24.21.
Variant type: single nucleotide variant.
Coding change: c.1843C>G on transcript NM_005996.4 (MANE Select); coding-DNA position 1843, C replaced by G.
Protein change: p.Arg615Gly; replaces arginine 615 with glycine.
Molecular consequence: missense variant.
Genome position (GRCh38, 1-based): chr12:114,672,170, G>C on the plus strand (C>G on the coding strand, the complement: TBX3 is on the minus strand). VCF-style: chr12-114672170-G-C. GRCh37 (hg19) VCF-style: chr12-115109975-G-C.
Other names: c.1903C>G, p.Arg635Gly (NM_016569.4); short protein forms R615G, R635G.
Identifiers: ClinVar variation 1327757 (VCV001327757.2), dbSNP rs781193551, ClinGen allele CA6809835.

ClinVar aggregate classification (germline): Uncertain significance (1 of 4 stars; one submission).

Allele frequency attached by ClinVar (database versions not stated): gnomAD exomes 0.00001; TOPMed 0.00002; ExAC 0.00005.
gnomAD v4.1: 22 of 1,571,194 alleles (0.0014%); highest among the groups gnomAD compares: African/African-American, 0.0081%; no homozygotes.

Submission:

GeneDx
Classification: Uncertain significance. Last evaluated: 2021-06-08. Review status: criteria provided, single submitter. Criteria: GeneDx Variant Classification Process June 2021. Collection method: clinical testing. Allele origin: germline. Affected: yes.
Comment: Not observed at significant frequency in large population cohorts (Lek 2016); In silico analysis supports that this missense variant has a deleterious effect on protein structure/function; Has not been previously published as pathogenic or benign to our knowledge; This variant is associated with the following publications: (PMID: 27535533)